The following is an entry in ClinVar:

ClinVar aggregate classification (germline): Pathogenic (1 of 4 stars; one submission).

Conditions:
Myopathy, proximal, and ophthalmoplegia (CMYO6). Also called: CONGENITAL MYOPATHY 6 WITH OPHTHALMOPLEGIA; MYOPATHY WITH CONGENITAL JOINT CONTRACTURES, OPHTHALMOPLEGIA, AND RIMMED VACUOLES; INCLUSION BODY MYOPATHY 3, AUTOSOMAL DOMINANT. Identifiers: Orphanet 363677, Orphanet 79091, MedGen C1854106, MONDO:0011577, OMIM 605637.

Submission:

Laboratory of Medical Genetics, National & Kapodistrian University of Athens
Classification: Pathogenic for Myopathy, proximal, and ophthalmoplegia. Last evaluated: 2021-12-29. Review status: criteria provided, single submitter. Criteria: ACMG Guidelines, 2015. Collection method: clinical testing. Allele origin: germline. Affected: yes.
Comment: PVS1, PM2, PP3

NM_017534.6(MYH2):c.3291_3315del (p.Gln1097fs)

Genes: MYHAS (myosin heavy chain gene cluster antisense RNA; plus strand), MYH2 (myosin heavy chain 2; minus strand). Cytogenetic location: 17p13.1.
Variant type: Deletion.
Coding change: c.3291_3315del on transcript NM_017534.6 (MANE Select); coding-DNA positions 3291 to 3315, 25 bases deleted (AAGCAAGATTGAAGATGAACAGGCA).
Protein change: p.Gln1097fs; shifts the reading frame from glutamine 1097.
Molecular consequence: frameshift variant.
Genome position (GRCh38, 1-based): chr17:10,529,201-10,529,225, TGCCTGTTCATCTTCAATCTTGCTT deleted on the plus strand (AAGCAAGATTGAAGATGAACAGGCA on the coding strand, the reverse complement: MYH2 is on the minus strand); deleting any 25 consecutive bases within chr17:10,529,201-10,529,228 gives the same sequence; the c. name uses the placement nearest the transcript's 3' end. VCF-style (leftmost placement, unchanged base first): chr17-10529200-GTGCCTGTTCATCTTCAATCTTGCTT-G. GRCh37 (hg19) VCF-style: chr17-10432517-GTGCCTGTTCATCTTCAATCTTGCTT-G.
Other names: c.3291_3315del, p.Gln1097fs (NM_001100112.2); short protein forms Q1097fs.
Identifiers: ClinVar variation 1708074 (VCV001708074.1), dbSNP rs2508430018, ClinGen allele CA2580092500.